The following is an entry in ClinVar:

ClinVar aggregate classification (germline): Uncertain significance. Review status: criteria provided, multiple submitters, no conflicts (2 of 4 stars). 2 submissions from 2 submitters: Uncertain significance (2). Last evaluated 2025-08-11.

Conditions:
Inborn genetic diseases. Identifiers: MedGen C0950123, MeSH D030342.
Short-rib thoracic dysplasia 10 with or without polydactyly (SRTD10). Identifiers: Orphanet 474, MedGen C3810175, MONDO:0014284, OMIM 615630.
Retinitis pigmentosa 71 (RP71). Identifiers: Orphanet 791, MedGen C4225342, MONDO:0014618, OMIM 616394.

Allele frequency attached by ClinVar (database versions not stated): gnomAD exomes below 0.00001.
gnomAD v4.1: 1 of 1,592,854 alleles (0.000063%); highest among the groups gnomAD compares: Non-Finnish European, 0.000086%; no homozygotes.

Submissions (2):

Ambry Genetics
Classification: Uncertain significance for Inborn genetic diseases. Last evaluated: 2025-08-11. Review status: criteria provided, single submitter. Criteria: Ambry Variant Classification Scheme 2023. Collection method: clinical testing. Allele origin: germline.

Labcorp Genetics (formerly Invitae), Labcorp
Classification: Uncertain significance for Retinitis pigmentosa 71; Short-rib thoracic dysplasia 10 with or without polydactyly. Last evaluated: 2020-02-18. Review status: criteria provided, single submitter. Criteria: Invitae Variant Classification Sherloc (09022015). Collection method: clinical testing. Allele origin: germline.
Comment: This variant is not present in population databases (ExAC no frequency). This sequence change replaces isoleucine with valine at codon 465 of the IFT172 protein (p.Ile465Val). The isoleucine residue is moderately conserved and there is a small physicochemical difference between isoleucine and valine. This variant has not been reported in the literature in individuals with IFT172-related conditions. In summary, the available evidence is currently insufficient to determine the role of this variant in disease. Therefore, it has been classified as a Variant of Uncertain Significance. Algorithms developed to predict the effect of missense changes on protein structure and function output the following: SIFT: "Tolerated"; PolyPhen-2: "Benign"; Align-GVGD: "Class C0". The valine amino acid residue is found in multiple mammalian species, suggesting that this missense change does not adversely affect protein function. These predictions have not been confirmed by published functional studies and their clinical significance is uncertain.

NM_015662.3(IFT172):c.1393A>G (p.Ile465Val)

Gene: IFT172 (intraflagellar transport 172; minus strand). Cytogenetic location: 2p23.3.
Variant type: single nucleotide variant.
Coding change: c.1393A>G on transcript NM_015662.3 (MANE Select); coding-DNA position 1393, A replaced by G.
Protein change: p.Ile465Val; replaces isoleucine 465 with valine.
Molecular consequence: missense variant.
Genome position (GRCh38, 1-based): chr2:27,476,659, T>C on the plus strand (A>G on the coding strand, the complement: IFT172 is on the minus strand). VCF-style: chr2-27476659-T-C. GRCh37 (hg19) VCF-style: chr2-27699526-T-C.
Other names: c.1393A>G (NM_015662.1); short protein forms I465V.
Identifiers: ClinVar variation 1046155 (VCV001046155.9), dbSNP rs1667974652, ClinGen allele CA346392767.